The following is an entry in ClinVar:

ClinVar aggregate classification (germline): Likely benign. Review status: criteria provided, multiple submitters, no conflicts (2 of 4 stars). 2 submissions from 2 submitters: Likely benign (2). Last evaluated 2026-01-09.

Conditions:
GPHN-related disorder. Also called: GPHN-related condition.
Sulfite oxidase deficiency due to molybdenum cofactor deficiency type C. Also called: Molybdenum cofactor deficiency C; Molybdenum cofactor deficiency, complementation group C. Identifiers: Orphanet 308400, Orphanet 833, MedGen C1854990, MONDO:0014212, OMIM 615501.

Allele frequency attached by ClinVar (database versions not stated): gnomAD exomes 0.00004; ExAC 0.00007; gnomAD 0.00008 and 0.00009; TOPMed 0.00010; ESP Exome Variant Server 0.00031.
gnomAD v4.1: 76 of 1,601,898 alleles (0.0047%); highest among the groups gnomAD compares: African/African-American, 0.035%; no homozygotes.

Submissions (2):

Labcorp Genetics (formerly Invitae), Labcorp
Classification: Likely benign for Sulfite oxidase deficiency due to molybdenum cofactor deficiency type C. Last evaluated: 2026-01-09. Review status: criteria provided, single submitter. Criteria: Invitae Variant Classification Sherloc (09022015). Collection method: clinical testing. Allele origin: germline.

PreventionGenetics, part of Exact Sciences
Classification: Likely benign for GPHN-related condition. Last evaluated: 2024-12-03. Review status: criteria provided, single submitter. Criteria: ACMG Guidelines, 2015. Collection method: clinical testing. Allele origin: germline.
Comment: This variant is classified as likely benign based on ACMG/AMP sequence variant interpretation guidelines (Richards et al. 2015 PMID: 25741868, with internal and published modifications).

NM_020806.5(GPHN):c.1173T>C (p.Asp391=)

Gene: GPHN (gephyrin; plus strand). Cytogenetic location: 14q23.3.
Variant type: single nucleotide variant.
Coding change: c.1173T>C on transcript NM_020806.5 (MANE Select); coding-DNA position 1173, T replaced by C.
Protein change: p.Asp391=; no amino-acid change (aspartic acid 391 retained).
Molecular consequence: synonymous variant.
Genome position (GRCh38, 1-based): chr14:67,089,011, T>C. VCF-style: chr14-67089011-T-C. GRCh37 (hg19) VCF-style: chr14-67555728-T-C.
Other names: c.1074T>C, p.Asp358= (NM_001024218.2); c.1233T>C, p.Asp411= (NM_001377514.1); c.1203T>C, p.Asp401= (NM_001377515.1); c.1194T>C, p.Asp398= (NM_001377516.1); c.1146T>C, p.Asp382= (NM_001377517.1); c.1131T>C, p.Asp377= (NM_001377518.1); c.1113T>C, p.Asp371= (NM_001377519.1).
Identifiers: ClinVar variation 466199 (VCV000466199.11), dbSNP rs147709250, ClinGen allele CA7233976.